The following is an entry in ClinVar:

ClinVar aggregate classification (germline): Uncertain significance (1 of 4 stars; one submission).

Conditions:
Familial adenomatous polyposis 1 (FAP1). Also called: FAMILIAL ADENOMATOUS POLYPOSIS 1, ATTENUATED; POLYPOSIS, ADENOMATOUS INTESTINAL. Identifiers: MedGen C2713442, MONDO:0021056, OMIM 175100. Disease mechanism: loss of function.

Submission:

Labcorp Genetics (formerly Invitae), Labcorp
Classification: Uncertain significance for Familial adenomatous polyposis 1. Last evaluated: 2024-05-16. Review status: criteria provided, single submitter. Criteria: Invitae Variant Classification Sherloc (09022015). Collection method: clinical testing. Allele origin: germline.
Comment: This sequence change replaces aspartic acid, which is acidic and polar, with glutamic acid, which is acidic and polar, at codon 2153 of the APC protein (p.Asp2153Glu). This variant is not present in population databases (gnomAD no frequency). This variant has not been reported in the literature in individuals affected with APC-related conditions. Advanced modeling of protein sequence and biophysical properties (such as structural, functional, and spatial information, amino acid conservation, physicochemical variation, residue mobility, and thermodynamic stability) performed at Invitae indicates that this missense variant is not expected to disrupt APC protein function with a negative predictive value of 95%. In summary, the available evidence is currently insufficient to determine the role of this variant in disease. Therefore, it has been classified as a Variant of Uncertain Significance.

NM_000038.6(APC):c.6459T>A (p.Asp2153Glu)

Gene: APC (APC regulator of Wnt signaling pathway; plus strand). Cytogenetic location: 5q22.2.
Variant type: single nucleotide variant.
Coding change: c.6459T>A on transcript NM_000038.6 (MANE Select); coding-DNA position 6459, T replaced by A.
Protein change: p.Asp2153Glu; replaces aspartic acid 2153 with glutamic acid.
Molecular consequence: missense variant. On other transcripts: non-coding transcript variant (2).
Genome position (GRCh38, 1-based): chr5:112,842,053, T>A. VCF-style: chr5-112842053-T-A. GRCh37 (hg19) VCF-style: chr5-112177750-T-A.
Other names: c.6459T>A, p.Asp2153Glu (NM_001127510.3, NM_001354895.2, NM_001407450.1); c.6405T>A, p.Asp2135Glu (NM_001127511.3); c.6513T>A, p.Asp2171Glu (NM_001354896.2, NM_001407447.1, NM_001407448.1 and 1 more transcripts); c.6489T>A, p.Asp2163Glu (NM_001354897.2); c.6384T>A, p.Asp2128Glu (NM_001354898.2); c.6375T>A, p.Asp2125Glu (NM_001354899.2); c.6336T>A, p.Asp2112Glu (NM_001354900.2); c.6282T>A, p.Asp2094Glu (NM_001354901.2, NM_001407453.1); and 11 more; short protein forms D1769E, D1870E, D2024E, D2062E, D2135E, D2171E, D2181E, D2027E.
Identifiers: ClinVar variation 3694108 (VCV003694108.2).